The following is an entry in ClinVar:

ClinVar aggregate classification (germline): Conflicting classifications of pathogenicity. Review status: criteria provided, conflicting classifications (1 of 4 stars). 3 submissions from 3 submitters: Likely pathogenic (1); Uncertain significance (2). Last evaluated 2025-12-16.

Conditions:
Hereditary breast ovarian cancer syndrome. Also called: Hereditary breast and ovarian cancer syndrome; Hereditary breast and ovarian cancer syndrome (HBOC); BRCA1- and BRCA2-Associated Hereditary Breast and Ovarian Cancer; Hereditary breast and/or ovarian cancer syndrome; Hereditary breast and ovarian cancer; Breast and ovarian cancer. Identifiers: Orphanet 145, MedGen C0677776, MeSH D061325, MONDO:0003582. Disease mechanism: loss of function.
Familial cancer of breast. Also called: BREAST CANCER, FAMILIAL; hereditary breast carcinoma; Hereditary breast cancer. Identifiers: Orphanet 227535, MedGen C0346153, MONDO:0016419, OMIM 114480. Disease mechanism: loss of function.

Allele frequency attached by ClinVar (database versions not stated): gnomAD exomes below 0.00001; TOPMed below 0.00001.
gnomAD v4.1: 2 of 1,603,810 alleles (0.00012%); highest among the groups gnomAD compares: Non-Finnish European, 0.000085%; no homozygotes.

Submissions (3):

Labcorp Genetics (formerly Invitae), Labcorp
Classification: Uncertain significance for Familial cancer of breast. Last evaluated: 2025-12-16. Review status: criteria provided, single submitter. Criteria: Invitae Variant Classification Sherloc (09022015). Collection method: clinical testing. Allele origin: germline.
Comment: This sequence change falls in intron 6 of the BARD1 gene. It does not directly change the encoded amino acid sequence of the BARD1 protein. RNA analysis indicates that this variant induces altered splicing and may result in an absent or altered protein product. This variant is not present in population databases (gnomAD no frequency). This variant has not been reported in the literature in individuals affected with BARD1-related conditions. ClinVar contains an entry for this variant (Variation ID: 579690). Studies have shown that this variant results in skipping of exon 7 and partial skipping of exon 7, and produces a non-functional protein and/or introduces a premature termination codon (internal data). In summary, the available evidence is currently insufficient to determine the role of this variant in disease. Therefore, it has been classified as a Variant of Uncertain Significance.

German Consortium for Hereditary Breast and Ovarian Cancer, University Hospital Cologne
Classification: Uncertain significance for Hereditary breast ovarian cancer syndrome. Last evaluated: 2024-01-05. Review status: criteria provided, single submitter. Criteria: ACMG Guidelines, 2015. Collection method: curation. Allele origin: germline.
Comment: PS3_sup, PM2_sup, PP3_sup. According to the ACMG standard criteria we chose these criteria: PS3 (supporting pathogenic): Own RNA-Analysis show enhanced skipping of Exon 7 (no quantification), PM2 (supporting pathogenic): absent from controls, PP3 (supporting pathogenic): spliceAI: BARD1: 0.66

Baylor Genetics
Classification: Likely pathogenic for Familial cancer of breast. Last evaluated: 2023-07-12. Review status: criteria provided, single submitter. Criteria: ACMG Guidelines, 2015. Collection method: clinical testing. Allele origin: unknown.

NM_000465.4(BARD1):c.1569-7T>G

Gene: BARD1 (BRCA1 associated RING domain 1; minus strand). Cytogenetic location: 2q35.
Variant type: single nucleotide variant.
Coding change: c.1569-7T>G on transcript NM_000465.4 (MANE Select); 7 bases into the intron before coding-DNA position 1569, T replaced by G.
Molecular consequence: intron variant.
Genome position (GRCh38, 1-based): chr2:214,752,562, A>C on the plus strand (T>G on the coding strand, the complement: BARD1 is on the minus strand). VCF-style: chr2-214752562-A-C. GRCh37 (hg19) VCF-style: chr2-215617286-A-C.
Other names: c.1569-7T>G (LRG_297t1); c.159-7T>G (NM_001282548.2); c.1512-7T>G (NM_001282543.2); c.216-7T>G (NM_001282545.2); c.365-22054T>G (NM_001282549.2).
Identifiers: ClinVar variation 579690 (VCV000579690.12), dbSNP rs1559395026, ClinGen allele CA891842522.